The following is an entry in ClinVar:

NM_198965.2(PTHLH):c.121C>T (p.His41Tyr)

Gene: PTHLH (parathyroid hormone like hormone; minus strand). Cytogenetic location: 12p11.22.
Variant type: single nucleotide variant.
Coding change: c.121C>T on transcript NM_198965.2 (MANE Select); coding-DNA position 121, C replaced by T.
Protein change: p.His41Tyr; replaces histidine 41 with tyrosine.
Molecular consequence: missense variant.
Genome position (GRCh38, 1-based): chr12:27,963,751, G>A on the plus strand (C>T on the coding strand, the complement: PTHLH is on the minus strand). VCF-style: chr12-27963751-G-A. GRCh37 (hg19) VCF-style: chr12-28116684-G-A.
Other names: c.121C>T, p.His41Tyr (NM_002820.3, NM_198964.2, NM_198966.2); short protein forms H41Y.
Identifiers: ClinVar variation 2968836 (VCV002968836.3), dbSNP rs1336854501, ClinGen allele CA384339605.

ClinVar aggregate classification (germline): Uncertain significance (1 of 4 stars; one submission).

Allele frequency attached by ClinVar (database versions not stated): gnomAD exomes 0.00001.
gnomAD v4.1: 10 of 1,613,972 alleles (0.00062%); highest among the groups gnomAD compares: Non-Finnish European, 0.00085%; no homozygotes.

Submission:

Labcorp Genetics (formerly Invitae), Labcorp
Classification: Uncertain significance. Last evaluated: 2023-03-02. Review status: criteria provided, single submitter. Criteria: Invitae Variant Classification Sherloc (09022015). Collection method: clinical testing. Allele origin: germline.
Comment: This sequence change replaces histidine, which is basic and polar, with tyrosine, which is neutral and polar, at codon 41 of the PTHLH protein (p.His41Tyr). This variant is present in population databases (no rsID available, gnomAD 0.0009%). This variant has not been reported in the literature in individuals affected with PTHLH-related conditions. An algorithm developed to predict the effect of missense changes on protein structure and function (PolyPhen-2) suggests that this variant is likely to be tolerated. In summary, the available evidence is currently insufficient to determine the role of this variant in disease. Therefore, it has been classified as a Variant of Uncertain Significance.